The following is an entry in ClinVar:

ClinVar aggregate classification (germline): Likely benign. Review status: criteria provided, single submitter (1 of 4 stars). 2 submissions from 2 submitters: Likely benign (1). 1 of the submissions does not count toward it. Last evaluated 2026-01-21.

Conditions:
MAMLD1-related disorder. Also called: MAMLD1-related condition.

Submissions (2):

Labcorp Genetics (formerly Invitae), Labcorp
Classification: Likely benign. Last evaluated: 2026-01-21. Review status: criteria provided, single submitter. Criteria: Invitae Variant Classification Sherloc (09022015). Collection method: clinical testing. Allele origin: germline.

PreventionGenetics, part of Exact Sciences
Classification: Benign for MAMLD1-related condition. Last evaluated: 2019-09-17. Review status: no assertion criteria provided. Collection method: clinical testing. Allele origin: germline. Not counted in ClinVar's aggregate classification.
Comment: This variant is classified as benign based on ACMG/AMP sequence variant interpretation guidelines (Richards et al. 2015 PMID: 25741868, with internal and published modifications).

NM_005491.5(MAMLD1):c.1806_1814dup (p.Gln604_Gln606dup)

Gene: MAMLD1 (mastermind like domain containing 1; plus strand). Cytogenetic location: Xq28.
Variant type: Duplication.
Coding change: c.1806_1814dup on transcript NM_005491.5 (MANE Select); coding-DNA positions 1806 to 1814, 9 bases duplicated (ACAGCAGCA; older notation c.1806_1814dupACAGCAGCA).
Protein change: p.Gln604_Gln606dup.
Molecular consequence: inframe insertion.
Genome position (GRCh38, 1-based): chrX:150,471,379-150,471,387, ACAGCAGCA duplicated; duplicating any 9 consecutive bases within chrX:150,471,371-150,471,387 gives the same sequence; the c. name uses the placement nearest the transcript's 3' end. VCF-style (leftmost placement, unchanged base first): chrX-150471370-G-GCAGCAGCAA. GRCh37 (hg19) VCF-style: chrX-149639642-G-GCAGCAGCAA.
Other names: c.1806_1814dupACAGCAGCA (NM_005491.4); c.1731_1739dup, p.Gln579_Gln581dup (NM_001177465.3, NM_001177466.3, NM_001400514.1); c.1806_1814dup, p.Gln604_Gln606dup (NM_001400512.1, NM_001400513.1, NM_001400515.1).
Identifiers: ClinVar variation 769491 (VCV000769491.11), dbSNP rs782453019, ClinGen allele CA10538860.